The following is an entry in ClinVar:

ClinVar aggregate classification (germline): Uncertain significance (1 of 4 stars; one submission).

Conditions:
Neuronal ceroid lipofuscinosis 1 (CLN1). Also called: CEROID LIPOFUSCINOSIS, NEURONAL, 1, VARIABLE AGE AT ONSET; PPT1-Related Neuronal Ceroid-Lipofuscinosis. Identifiers: Orphanet 228329, MedGen C1850451, MONDO:0009744, OMIM 256730.

Submission:

Myriad Genetics, Inc.
Classification: Uncertain significance for Neuronal ceroid lipofuscinosis 1. Last evaluated: 2026-01-23. Review status: criteria provided, single submitter. Criteria: Myriad Autosomal Dominant, Autosomal Recessive and X-Linked Classification Criteria (2023). Collection method: clinical testing. Allele origin: unknown.
Comment: NM_000310.3(PPT1):c.603_605delCTT(F201del) is an in-frame deletion classified as a variant of uncertain significance in the context of neuronal ceroid lipofuscinosis, PPT1-related. F201del has not been observed in cases with relevant disease. Relevant functional assessments of this variant are not available in the literature. F201del has been observed in referenced population frequency databases. In summary, there is insufficient evidence to classify NM_000310.3(PPT1):c.603_605delCTT(F201del) as pathogenic or benign. Please note: this variant was assessed in the context of healthy population screening.

NM_000310.4(PPT1):c.600CTT[1] (p.Phe201del)

Gene: PPT1 (palmitoyl-protein thioesterase 1; minus strand). Cytogenetic location: 1p34.2.
Variant type: Microsatellite.
Coding change: c.600CTT[1] on transcript NM_000310.4 (MANE Select); one copy of the 3-base unit CTT starting at c.600; the reference has two copies in a row; one copy, 3 bases deleted.
Protein change: p.Phe201del; deletes phenylalanine 201.
Molecular consequence: inframe deletion.
Genome position (GRCh38, 1-based): chr1:40,080,419-40,080,421, AAG deleted on the plus strand (CTT on the coding strand, the reverse complement: PPT1 is on the minus strand); deleting any 3 consecutive bases within chr1:40,080,419-40,080,425 gives the same sequence; the position shown is the placement nearest the transcript's 3' end. VCF-style (leftmost placement, unchanged base first): chr1-40080418-CAAG-C. GRCh37 (hg19) VCF-style: chr1-40546090-CAAG-C.
Other names: c.291CTT[1], p.Phe98del (NM_001142604.2); c.600CTT[1], p.Phe201del (NM_001363695.2); short protein forms F201del, F98del.
Identifiers: ClinVar variation 5004027 (VCV005004027.1).